The following is an entry in ClinVar:

NM_001927.4(DES):c.1094ACA[1] (p.Asn366del)

Gene: DES (desmin; plus strand). Cytogenetic location: 2q35.
Variant type: Microsatellite.
Coding change: c.1094ACA[1] on transcript NM_001927.4 (MANE Select); one copy of the 3-base unit ACA starting at c.1094; the reference has two copies in a row; one copy, 3 bases deleted.
Protein change: p.Asn366del; deletes asparagine 366.
Molecular consequence: inframe deletion. On other transcripts: intron variant (1).
Genome position (GRCh38, 1-based): chr2:219,421,413-219,421,415, ACA deleted; deleting any 3 consecutive bases within chr2:219,421,410-219,421,415 gives the same sequence; the position shown is the placement nearest the transcript's 3' end. VCF-style (leftmost placement, unchanged base first): chr2-219421409-GACA-G. GRCh37 (hg19) VCF-style: chr2-220286131-GACA-G.
Other names: N366delN; c.1091ACA[1], p.Asn365del (NM_001382708.1); c.1025ACA[1], p.Asn343del (NM_001382710.1); c.1073ACA[1], p.Asn359del (NM_001382711.1); c.1094ACA[1], p.Asn366del (NM_001382712.1); c.824ACA[1], p.Asn276del (NM_001382713.1); c.736-71_736-69del (NM_001382709.1); c.1096_1098delAAC (NM_001927.3); short protein forms N366del, N276del, N343del, N359del, N365del.
Identifiers: ClinVar variation 16832 (VCV000016832.17), dbSNP rs58687088, ClinGen allele CA217012.

ClinVar aggregate classification (germline): Conflicting classifications of pathogenicity. Review status: criteria provided, conflicting classifications (1 of 4 stars). 4 submissions from 4 submitters: Likely pathogenic (1); Uncertain significance (1). 2 of the submissions do not count toward it. Last evaluated 2023-04-24.

Conditions:
Desmin-related myofibrillar myopathy (MFM1). Also called: MYOFIBRILLAR MYOPATHY WITH ARRHYTHMOGENIC RIGHT VENTRICULAR CARDIOMYOPATHY; DESMIN-RELATED MYOPATHY WITH ARRHYTHMOGENIC RIGHT VENTRICULAR CARDIOMYOPATHY; Myofibrillar myopathy 1; Desminopathy; Desmin related myopathy (former name); Desmin storage myopathy (former name). Identifiers: Orphanet 363543, Orphanet 98909, MedGen C1832370, MONDO:0011076, OMIM 601419.

Submissions (4):

Labcorp Genetics (formerly Invitae), Labcorp
Classification: Uncertain significance for Desmin-related myofibrillar myopathy. Last evaluated: 2023-04-24. Review status: criteria provided, single submitter. Criteria: Invitae Variant Classification Sherloc (09022015). Collection method: clinical testing. Allele origin: germline.
Comment: Experimental studies have shown that this variant affects DES function (PMID: 14648196, 17188893). In summary, the available evidence is currently insufficient to determine the role of this variant in disease. Therefore, it has been classified as a Variant of Uncertain Significance. Algorithms developed to predict the effect of variants on protein structure and function are not available or were not evaluated for this variant. This variant has been observed in individual(s) with desminopathy and/or limb-girdle muscular dystrophy (PMID: 14648196, 32576226). This variant is not present in population databases (gnomAD no frequency). This variant, c.1097_1099del, results in the deletion of 1 amino acid(s) of the DES protein (p.Asn366del), but otherwise preserves the integrity of the reading frame.

Athena Diagnostics
Classification: Likely pathogenic. Last evaluated: 2022-02-28. Review status: criteria provided, single submitter. Criteria: Athena Diagnostics Criteria. Collection method: clinical testing. Allele origin: unknown.
Comment: This variant has not been reported in large, multi-ethnic general populations. This variant has been identified heterozygous in at least one patient with myopathy or limb-girdle muscular dystrophy (LGMD). Assessment of experimental evidence suggests this variant results in abnormal protein function. Variant proteins are unable to form functional filaments (PMID: 14648196).

OMIM
Classification: Pathogenic for MYOPATHY, MYOFIBRILLAR, 1. Last evaluated: 2004-02-01. Review status: no assertion criteria provided. Collection method: literature only. Allele origin: germline. Not counted in ClinVar's aggregate classification.

Epithelial Biology;  Institute of Medical Biology, Singapore
No classification provided. Review status: no classification provided. Collection method: not provided. Allele origin: not provided. Not counted in ClinVar's aggregate classification.

Literature cited by the submitters: PubMed 14648196 (cited by 3 submitters); PubMed 17188893 (cited by Labcorp Genetics (formerly Invitae), Labcorp); PubMed 32576226 (cited by Labcorp Genetics (formerly Invitae), Labcorp and Athena Diagnostics).